The following is an entry in ClinVar:

NM_000276.4(OCRL):c.970CTT[1] (p.Leu325del)

Gene: OCRL (OCRL inositol polyphosphate-5-phosphatase; plus strand). Cytogenetic location: Xq26.1.
Variant type: Microsatellite.
Coding change: c.970CTT[1] on transcript NM_000276.4 (MANE Select); one copy of the 3-base unit CTT starting at c.970; the reference has two copies in a row; one copy, 3 bases deleted.
Protein change: p.Leu325del; deletes leucine 325.
Molecular consequence: inframe deletion.
Genome position (GRCh38, 1-based): chrX:129,562,417-129,562,419, CTT deleted; deleting any 3 consecutive bases within chrX:129,562,414-129,562,419 gives the same sequence; the position shown is the placement nearest the transcript's 3' end. VCF-style (leftmost placement, unchanged base first): chrX-129562413-GCTT-G. GRCh37 (hg19) VCF-style: chrX-128696390-GCTT-G.
Other names: c.973CTT[1], p.Leu326del (NM_001318784.2); c.970CTT[1], p.Leu325del (NM_001587.4); short protein forms L325del, L326del.
Identifiers: ClinVar variation 167397 (VCV000167397.12), dbSNP rs727504056, ClinGen allele CA234447.

ClinVar aggregate classification (germline): Uncertain significance. Review status: criteria provided, multiple submitters, no conflicts (2 of 4 stars). 2 submissions from 2 submitters: Uncertain significance (2). Last evaluated 2025-03-10.

Conditions:
Lowe syndrome (OCRL). Also called: Oculocerebrorenal Syndrome; LOWE OCULOCEREBRORENAL SYNDROME; PHOSPHATIDYLINOSITOL 4,5-BISPHOSPHATE 5-PHOSPHATASE DEFICIENCY. Identifiers: Orphanet 534, MedGen C0028860, MONDO:0010645, OMIM 309000.

Submissions (2):

Labcorp Genetics (formerly Invitae), Labcorp
Classification: Uncertain significance for Lowe syndrome. Last evaluated: 2025-03-10. Review status: criteria provided, single submitter. Criteria: Invitae Variant Classification Sherloc (09022015). Collection method: clinical testing. Allele origin: germline.
Comment: This variant, c.973_975del, results in the deletion of 1 amino acid(s) of the OCRL protein (p.Leu325del), but otherwise preserves the integrity of the reading frame. This variant is not present in population databases (gnomAD no frequency). This variant has not been reported in the literature in individuals affected with OCRL-related conditions. Experimental studies and prediction algorithms are not available or were not evaluated, and the functional significance of this variant is currently unknown. In summary, the available evidence is currently insufficient to determine the role of this variant in disease. Therefore, it has been classified as a Variant of Uncertain Significance.

Eurofins Ntd Llc (ga)
Classification: Uncertain significance. Last evaluated: 2014-04-07. Review status: criteria provided, single submitter. Criteria: EGL Classification Definitions 2015. Collection method: clinical testing. Allele origin: germline. Observed: 1 variant allele, 1 hemizygote.